The following is an entry in ClinVar:

ClinVar aggregate classification (germline): Uncertain significance (1 of 4 stars; one submission).

Allele frequency attached by ClinVar (database versions not stated): gnomAD 0.00001; TOPMed 0.00002.
gnomAD v4.1: 6 of 1,608,244 alleles (0.00037%); highest among the groups gnomAD compares: Non-Finnish European, 0.00051%; no homozygotes.

Submission:

Labcorp Genetics (formerly Invitae), Labcorp
Classification: Uncertain significance. Last evaluated: 2022-09-13. Review status: criteria provided, single submitter. Criteria: Invitae Variant Classification Sherloc (09022015). Collection method: clinical testing. Allele origin: germline.
Comment: This sequence change replaces histidine, which is basic and polar, with aspartic acid, which is acidic and polar, at codon 1332 of the ABCC6 protein (p.His1332Asp). This variant is not present in population databases (gnomAD no frequency). This variant has not been reported in the literature in individuals affected with ABCC6-related conditions. ClinVar contains an entry for this variant (Variation ID: 1508907). Advanced modeling of protein sequence and biophysical properties (such as structural, functional, and spatial information, amino acid conservation, physicochemical variation, residue mobility, and thermodynamic stability) performed at Invitae indicates that this missense variant is not expected to disrupt ABCC6 protein function. In summary, the available evidence is currently insufficient to determine the role of this variant in disease. Therefore, it has been classified as a Variant of Uncertain Significance.

NM_001171.6(ABCC6):c.3994C>G (p.His1332Asp)

Gene: ABCC6 (ATP binding cassette subfamily C member 6; minus strand). Cytogenetic location: 16p13.11.
Variant type: single nucleotide variant.
Coding change: c.3994C>G on transcript NM_001171.6 (MANE Select); coding-DNA position 3994, C replaced by G.
Protein change: p.His1332Asp; replaces histidine 1332 with aspartic acid.
Molecular consequence: missense variant. On other transcripts: non-coding transcript variant (1).
Genome position (GRCh38, 1-based): chr16:16,154,920, G>C on the plus strand (C>G on the coding strand, the complement: ABCC6 is on the minus strand). VCF-style: chr16-16154920-G-C. GRCh37 (hg19) VCF-style: chr16-16248777-G-C.
Other names: c.3652C>G, p.His1218Asp (NM_001351800.1); short protein forms H1218D, H1332D.
Identifiers: ClinVar variation 1508907 (VCV001508907.5), dbSNP rs767636709, ClinGen allele CA394875588.